The following is an entry in ClinVar:

ClinVar aggregate classification (germline): Likely pathogenic (1 of 4 stars; one submission).

Submission:

Dasa
Classification: Likely pathogenic. Last evaluated: 2026-01-06. Review status: criteria provided, single submitter. Criteria: DASA Assertion Criteria. Collection method: clinical testing. Allele origin: germline.
Comment: NM_000254.3(MTR):c.3322G>T (p.Glu1108*) is a nonsense variant in MTR predicted to introduce a premature termination codon and is predicted to result in an absent or altered protein product. Loss of function is an established disease mechanism for MTR-associated disorders. Also, this variant is rare in population databases. Based on the currently available evidence, this variant is classified as likely pathogenic.

NM_000254.3(MTR):c.3322G>T (p.Glu1108Ter)

Gene: MTR (5-methyltetrahydrofolate-homocysteine methyltransferase; plus strand). Cytogenetic location: 1q43.
Variant type: single nucleotide variant.
Coding change: c.3322G>T on transcript NM_000254.3 (MANE Select); coding-DNA position 3322, G replaced by T.
Protein change: p.Glu1108Ter; replaces glutamic acid 1108 with a stop codon.
Molecular consequence: nonsense.
Genome position (GRCh38, 1-based): chr1:236,894,474, G>T. VCF-style: chr1-236894474-G-T. GRCh37 (hg19) VCF-style: chr1-237057774-G-T.
Other names: c.3169G>T, p.Glu1057Ter (NM_001291939.1); c.2101G>T, p.Glu701Ter (NM_001291940.2); c.3133G>T, p.Glu1045Ter (NM_001410942.1); short protein forms E1045*, E1057*, E1108*, E701*.
Identifiers: ClinVar variation 4881640 (VCV004881640.2).
Genomic context (GRCh38, chr1:236,894,474, plus strand): 5'-CCCTTGCATTCTGGCATCCGTGACTACCTGGGCCTGTTTGCCGTTGCCTGCTTTGGGGTA[G>T]AAGAGCTGAGCAAGGCCTATGAGGATGATGGTGACGACTACAGCAGCATCATGGTCAAGG-3'